The following is an entry in ClinVar:

ClinVar aggregate classification (germline): Uncertain significance. Review status: criteria provided, multiple submitters, no conflicts (2 of 4 stars). 2 submissions from 2 submitters: Uncertain significance (2). Last evaluated 2025-01-02.

Conditions:
Hereditary cancer-predisposing syndrome. Also called: Neoplastic Syndromes, Hereditary; Tumor predisposition; Hereditary Cancer Syndrome; Hereditary neoplastic syndrome. Identifiers: Orphanet 140162, MedGen C0027672, MeSH D009386, MONDO:0015356.
Familial adenomatous polyposis 1 (FAP1). Also called: FAMILIAL ADENOMATOUS POLYPOSIS 1, ATTENUATED; POLYPOSIS, ADENOMATOUS INTESTINAL. Identifiers: MedGen C2713442, MONDO:0021056, OMIM 175100. Disease mechanism: loss of function.

Allele frequency attached by ClinVar (database versions not stated): TOPMed below 0.00001.

Submissions (2):

Ambry Genetics
Classification: Uncertain significance for Hereditary cancer-predisposing syndrome. Last evaluated: 2025-01-02. Review status: criteria provided, single submitter. Criteria: Ambry Variant Classification Scheme 2023. Collection method: clinical testing. Allele origin: germline.
Comment: The p.E251K variant (also known as c.751G>A), located in coding exon 7 of the APC gene, results from a G to A substitution at nucleotide position 751. The glutamic acid at codon 251 is replaced by lysine, an amino acid with similar properties. This amino acid position is not well conserved in available vertebrate species. In addition, in silico predictors for this gene do not accurately predict pathogenicity. Missense alterations in APC are not a common cause of disease (Spier I et al. Genet Med. 2024 Feb;26(2):100992). Based on the available evidence, the clinical significance of this variant remains unclear.

Labcorp Genetics (formerly Invitae), Labcorp
Classification: Uncertain significance for Familial adenomatous polyposis 1. Last evaluated: 2023-07-18. Review status: criteria provided, single submitter. Criteria: Invitae Variant Classification Sherloc (09022015). Collection method: clinical testing. Allele origin: germline.
Comment: Advanced modeling of protein sequence and biophysical properties (such as structural, functional, and spatial information, amino acid conservation, physicochemical variation, residue mobility, and thermodynamic stability) performed at Invitae indicates that this missense variant is not expected to disrupt APC protein function. In summary, the available evidence is currently insufficient to determine the role of this variant in disease. Therefore, it has been classified as a Variant of Uncertain Significance. ClinVar contains an entry for this variant (Variation ID: 1759329). This variant has not been reported in the literature in individuals affected with APC-related conditions. This variant is not present in population databases (gnomAD no frequency). This sequence change replaces glutamic acid, which is acidic and polar, with lysine, which is basic and polar, at codon 251 of the APC protein (p.Glu251Lys).

NM_000038.6(APC):c.751G>A (p.Glu251Lys)

Gene: APC (APC regulator of Wnt signaling pathway; plus strand). Cytogenetic location: 5q22.2.
Variant type: single nucleotide variant.
Coding change: c.751G>A on transcript NM_000038.6 (MANE Select); coding-DNA position 751, G replaced by A.
Protein change: p.Glu251Lys; replaces glutamic acid 251 with lysine.
Molecular consequence: missense variant. On other transcripts: 5 prime UTR variant (1).
Genome position (GRCh38, 1-based): chr5:112,801,300, G>A. VCF-style: chr5-112801300-G-A. GRCh37 (hg19) VCF-style: chr5-112136997-G-A.
Other names: c.751G>A, p.Glu251Lys (NM_001127510.3, NM_001354895.2, NM_001354896.2 and 12 more transcripts); c.697G>A, p.Glu233Lys (NM_001127511.3); c.781G>A, p.Glu261Lys (NM_001354897.2, NM_001354902.2, NM_001407446.1); c.676G>A, p.Glu226Lys (NM_001354898.2, NM_001354904.2, NM_001407451.1); c.667G>A, p.Glu223Lys (NM_001354899.2, NM_001407452.1, NM_001407467.1 and 1 more transcripts); c.574G>A, p.Glu192Lys (NM_001354900.2, NM_001354901.2, NM_001354905.2 and 1 more transcripts); c.-285G>A (NM_001354906.2, NM_001407470.1, NM_001407471.1 and 1 more transcripts); short protein forms E192K, E223K, E233K, E251K, E261K, E226K.
Identifiers: ClinVar variation 1759329 (VCV001759329.6), dbSNP rs1760792564, ClinGen allele CA16022975.